The following is an entry in ClinVar:

ClinVar aggregate classification (germline): Uncertain significance (1 of 4 stars; one submission).

Conditions:
Marfan syndrome (MFS). Also called: Marfan syndrome type 1; Marfan's syndrome; FBN1-Related Marfan Syndrome; MARFAN SYNDROME, TYPE I; Marfan syndrome, classic. Identifiers: Orphanet 284963, Orphanet 558, MedGen C0024796, MONDO:0007947, OMIM 154700.
Familial thoracic aortic aneurysm and aortic dissection (TAAD). Also called: Thoracic aortic aneurysms and dissections. Identifiers: Orphanet 91387, MedGen C4707243, MONDO:0019625.

Submission:

Labcorp Genetics (formerly Invitae), Labcorp
Classification: Uncertain significance for Marfan syndrome; Familial thoracic aortic aneurysm and aortic dissection. Last evaluated: 2021-06-22. Review status: criteria provided, single submitter. Criteria: Invitae Variant Classification Sherloc (09022015). Collection method: clinical testing. Allele origin: germline.
Comment: This sequence change replaces serine with proline at codon 1302 of the FBN1 protein (p.Ser1302Pro). The serine residue is highly conserved and there is a moderate physicochemical difference between serine and proline. This variant is not present in population databases (ExAC no frequency). This variant has not been reported in the literature in individuals with FBN1-related conditions. Advanced modeling of protein sequence and biophysical properties (such as structural, functional, and spatial information, amino acid conservation, physicochemical variation, residue mobility, and thermodynamic stability) performed at Invitae indicates that this missense variant is expected to disrupt FBN1 protein function. In summary, the available evidence is currently insufficient to determine the role of this variant in disease. Therefore, it has been classified as a Variant of Uncertain Significance.

NM_000138.5(FBN1):c.3904T>C (p.Ser1302Pro)

Gene: FBN1 (fibrillin 1; minus strand). Cytogenetic location: 15q21.1.
Variant type: single nucleotide variant.
Coding change: c.3904T>C on transcript NM_000138.5 (MANE Select); coding-DNA position 3904, T replaced by C.
Protein change: p.Ser1302Pro; replaces serine 1302 with proline.
Molecular consequence: missense variant.
Genome position (GRCh38, 1-based): chr15:48,481,715, A>G on the plus strand (T>C on the coding strand, the complement: FBN1 is on the minus strand). VCF-style: chr15-48481715-A-G. GRCh37 (hg19) VCF-style: chr15-48773912-A-G.
Other names: short protein forms S1302P.
Identifiers: ClinVar variation 1362963 (VCV001362963.8), dbSNP rs2141287376, ClinGen allele CA392322355.